The following is an entry in ClinVar:

NM_000426.4(LAMA2):c.1467+2T>C

Gene: LAMA2 (laminin subunit alpha 2; plus strand). Cytogenetic location: 6q22.33.
Variant type: single nucleotide variant.
Coding change: c.1467+2T>C on transcript NM_000426.4 (MANE Select); the canonical splice donor site of the intron after coding-DNA position 1467, T replaced by C.
Molecular consequence: splice donor variant.
Genome position (GRCh38, 1-based): chr6:129,177,868, T>C. VCF-style: chr6-129177868-T-C. GRCh37 (hg19) VCF-style: chr6-129499013-T-C.
Other names: c.1467+2T>C (NM_001079823.2).
Identifiers: ClinVar variation 554368 (VCV000554368.13), dbSNP rs1554234163, ClinGen allele CA365607746.

ClinVar aggregate classification (germline): Pathogenic/Likely pathogenic. Review status: criteria provided, multiple submitters, no conflicts (2 of 4 stars). 3 submissions from 3 submitters: Pathogenic (1); Likely pathogenic (1). 1 of the submissions does not count toward it. Last evaluated 2025-12-29.

Conditions:
Muscular dystrophy, limb-girdle, autosomal recessive 23. Identifiers: Orphanet 565837, MedGen C4748327, MONDO:0029136, OMIM 618138.
Merosin deficient congenital muscular dystrophy (MDC1A). Also called: Congenital Muscular Dystrophy Type 1A (MDC1A); Congenital merosin-deficient muscular dystrophy 1A. Identifiers: Orphanet 258, MedGen C1263858, MONDO:0011925, OMIM 607855.
LAMA2-related muscular dystrophy (LAMA2-RD). Also called: Laminin alpha 2-related dystrophy. Identifiers: MedGen C5679788, MONDO:0100228.

Submissions (3):

Labcorp Genetics (formerly Invitae), Labcorp
Classification: Pathogenic for LAMA2-related muscular dystrophy. Last evaluated: 2025-12-29. Review status: criteria provided, single submitter. Criteria: Invitae Variant Classification Sherloc (09022015). Collection method: clinical testing. Allele origin: germline.
Comment: This sequence change affects a donor splice site in intron 10 of the LAMA2 gene. It is expected to disrupt RNA splicing. Variants that disrupt the donor or acceptor splice site typically lead to a loss of protein function (PMID: 16199547), and loss-of-function variants in LAMA2 are known to be pathogenic (PMID: 18700894, 32904964). This variant is not present in population databases (gnomAD no frequency). Disruption of this splice site has been observed in individual(s) with clinical features of muscular dystrophy (internal data). In at least one individual the data is consistent with being in trans (on the opposite chromosome) from a pathogenic variant. ClinVar contains an entry for this variant (Variation ID: 554368). Algorithms developed to predict the effect of sequence changes on RNA splicing suggest that this variant may disrupt the consensus splice site. For these reasons, this variant has been classified as Pathogenic.

Hadassah Hebrew University Medical Center
Classification: Likely pathogenic for Merosin deficient congenital muscular dystrophy; Muscular dystrophy, limb-girdle, autosomal recessive 23. Last evaluated: 2019-06-20. Review status: criteria provided, single submitter. Criteria: ACMG Guidelines, 2015. Collection method: clinical testing. Allele origin: germline. Inheritance: Autosomal recessive inheritance. Affected: yes.

Counsyl
Classification: Likely pathogenic for Merosin deficient congenital muscular dystrophy. Last evaluated: 2017-10-17. Review status: no assertion criteria provided. Collection method: clinical testing. Allele origin: unknown. Not counted in ClinVar's aggregate classification.

Literature cited by the submitters: PubMed 16199547 (cited by Labcorp Genetics (formerly Invitae), Labcorp); PubMed 18700894 (cited by Labcorp Genetics (formerly Invitae), Labcorp); PubMed 32904964 (cited by Labcorp Genetics (formerly Invitae), Labcorp).